The following is an entry in ClinVar:

ClinVar aggregate classification (germline): Benign. Review status: criteria provided, multiple submitters, no conflicts (2 of 4 stars). 9 submissions from 9 submitters: Benign (8). 1 of the submissions does not count toward it. Last evaluated 2026-02-04.

Conditions:
Proteasome-associated autoinflammatory syndrome 3. Identifiers: MedGen C4747850, MONDO:0054699, OMIM 617591.
PSMB4-related disorder. Also called: PSMB4-related condition.

Allele frequency attached by ClinVar (database versions not stated): 1000 Genomes Project 0.49301; 1000 Genomes Project 30x 0.49438; TOPMed 0.60783; gnomAD 0.64010 and 0.64309; gnomAD exomes 0.66537 and 0.77257; ESP Exome Variant Server 0.67407; ExAC 0.67461.
gnomAD v4.1: 1,225,270 of 1,613,768 alleles (76%); highest among the groups gnomAD compares: Non-Finnish European, 82%; 485,174 homozygotes.

Submissions (9):

Labcorp Genetics (formerly Invitae), Labcorp
Classification: Benign. Last evaluated: 2026-02-04. Review status: criteria provided, single submitter. Criteria: Invitae Variant Classification Sherloc (09022015). Collection method: clinical testing. Allele origin: germline.

Women's Health and Genetics/Laboratory Corporation of America, LabCorp
Classification: Benign. Last evaluated: 2026-01-21. Review status: criteria provided, single submitter. Criteria: LabCorp Variant Classification Summary - May 2015. Collection method: clinical testing. Allele origin: germline.

Blueprint Genetics
Classification: Benign. Last evaluated: 2024-11-26. Review status: criteria provided, single submitter. Criteria: ACMG Guidelines, 2015. Collection method: clinical testing. Allele origin: germline.

Unidad de Genómica Garrahan, Hospital de Pediatría Garrahan
Classification: Benign. Last evaluated: 2023-11-12. Review status: criteria provided, single submitter. Criteria: ACMG Guidelines, 2015. Collection method: clinical testing. Allele origin: germline. Affected: no. Observed: 76 variant alleles.
Comment: This variant is classified as Benign based on local population frequency. This variant was detected in 79% of patients studied by a panel of primary immunodeficiencies. Number of patients: 76. Only high quality variants are reported.

Mayo Clinic Laboratories, Mayo Clinic
Classification: Benign. Last evaluated: 2022-09-06. Review status: criteria provided, single submitter. Criteria: ACMG Guidelines, 2015. Collection method: clinical testing. Allele origin: germline. Observed: 408 variant alleles.

Genome-Nilou Lab
Classification: Benign for Proteasome-associated autoinflammatory syndrome 3. Last evaluated: 2021-10-25. Review status: criteria provided, single submitter. Criteria: ACMG Guidelines, 2015. Collection method: clinical testing. Allele origin: germline. Affected: no.

GeneDx
Classification: Benign. Last evaluated: 2019-01-29. Review status: criteria provided, single submitter. Criteria: GeneDx Variant Classification Process June 2021. Collection method: clinical testing. Allele origin: germline. Affected: yes.

Breakthrough Genomics
Classification: Benign. Review status: criteria provided, single submitter. Criteria: ACMG Guidelines, 2015. Collection method: not provided. Allele origin: germline. Inheritance: Autosomal recessive inheritance. Affected: yes.

PreventionGenetics, part of Exact Sciences
Classification: Benign for PSMB4-related condition. Last evaluated: 2019-10-17. Review status: no assertion criteria provided. Collection method: clinical testing. Allele origin: germline. Not counted in ClinVar's aggregate classification.
Comment: This variant is classified as benign based on ACMG/AMP sequence variant interpretation guidelines (Richards et al. 2015 PMID: 25741868, with internal and published modifications).

NM_002796.3(PSMB4):c.75G>A (p.Pro25=)

Gene: PSMB4 (proteasome 20S subunit beta 4; plus strand). Cytogenetic location: 1q21.3.
Variant type: single nucleotide variant.
Coding change: c.75G>A on transcript NM_002796.3 (MANE Select); coding-DNA position 75, G replaced by A.
Protein change: p.Pro25=; no amino-acid change (proline 25 retained).
Molecular consequence: synonymous variant.
Genome position (GRCh38, 1-based): chr1:151,399,662, G>A. VCF-style: chr1-151399662-G-A. GRCh37 (hg19) VCF-style: chr1-151372138-G-A.
Other names: p.Pro25=.
Identifiers: ClinVar variation 1165733 (VCV001165733.20), dbSNP rs7172, ClinGen allele CA1090566.